The following is an entry in ClinVar:

ClinVar aggregate classification (germline): Uncertain significance (1 of 4 stars; one submission).

Conditions:
Intellectual developmental disorder, autosomal dominant 43. Also called: Intellectual disability, autosomal dominant 43. Identifiers: MedGen C4707429, MONDO:0014858, OMIM 616977.

gnomAD v4.1: 1 of 1,614,190 alleles (0.000062%); highest among the groups gnomAD compares: East Asian, 0.0022%; no homozygotes.

Submission:

Victorian Clinical Genetics Services, Murdoch Childrens Research Institute
Classification: Uncertain significance for Intellectual developmental disorder, autosomal dominant 43. Last evaluated: 2020-05-21. Review status: criteria provided, single submitter. Criteria: ACMG Guidelines, 2015. Collection method: clinical testing. Allele origin: germline. Inheritance: Autosomal dominant inheritance.
Comment: A heterozygous missense variant was identified, NM_006734.3(HIVEP2):c.3956C>T in exon 5 of 10 of the HIVEP2 gene. This substitution is predicted to create a minor amino acid change from an alanine to a valine at position 1319 of the protein; NP_006725.3(HIVEP2):p.(Ala1319Val). The alanine at this position has low conservation (100 vertebrates, UCSC), and is not situated in a known functional domain (NCBI, PDB). In silico software predictions of the pathogenicity of this variant are conflicting (PolyPhen2, SIFT, CADD, Mutation Taster). The variant is not present in the gnomAD population database, however an alternative residue change at the same location has been reported in the gnomAD database at a frequency of 0.0032%. This variant has not previously been reported in clinical cases. Based on information available at the time of curation, this variant has been classified as a VUS with LOW CLINICAL RELEVANCE.

NM_006734.4(HIVEP2):c.3956C>T (p.Ala1319Val)

Gene: HIVEP2 (HIVEP zinc finger 2; minus strand). Cytogenetic location: 6q24.2.
Variant type: single nucleotide variant.
Coding change: c.3956C>T on transcript NM_006734.4 (MANE Select); coding-DNA position 3956, C replaced by T.
Protein change: p.Ala1319Val; replaces alanine 1319 with valine.
Molecular consequence: missense variant.
Genome position (GRCh38, 1-based): chr6:142,770,783, G>A on the plus strand (C>T on the coding strand, the complement: HIVEP2 is on the minus strand). VCF-style: chr6-142770783-G-A. GRCh37 (hg19) VCF-style: chr6-143091920-G-A.
Other names: short protein forms A1319V.
Identifiers: ClinVar variation 1805754 (VCV001805754.1), dbSNP rs1218448387, ClinGen allele CA365902018.